The following is an entry in ClinVar:

ClinVar aggregate classification (germline): Uncertain significance. Review status: criteria provided, multiple submitters, no conflicts (2 of 4 stars). 2 submissions from 2 submitters: Uncertain significance (2). Last evaluated 2022-05-20.

Conditions:
Diffuse cerebral and cerebellar atrophy - intractable seizures - progressive microcephaly syndrome. Also called: Microcephaly, progressive, with seizures and cerebral and cerebellar atrophy. Identifiers: Orphanet 404437, MedGen C4014239, MONDO:0014335, OMIM 615760.

Allele frequency attached by ClinVar (database versions not stated): gnomAD 0.00001.

Submissions (2):

GeneDx
Classification: Uncertain significance. Last evaluated: 2022-05-20. Review status: criteria provided, single submitter. Criteria: GeneDx Variant Classification Process June 2021. Collection method: clinical testing. Allele origin: germline. Affected: yes.
Comment: Not observed at significant frequency in large population cohorts (gnomAD); In silico analysis supports that this missense variant does not alter protein structure/function; Has not been previously published as pathogenic or benign to our knowledge; This variant is associated with the following publications: (PMID: 25471517)

Labcorp Genetics (formerly Invitae), Labcorp
Classification: Uncertain significance for Diffuse cerebral and cerebellar atrophy - intractable seizures - progressive microcephaly syndrome. Last evaluated: 2021-04-24. Review status: criteria provided, single submitter. Criteria: Invitae Variant Classification Sherloc (09022015). Collection method: clinical testing. Allele origin: germline.
Comment: In summary, the available evidence is currently insufficient to determine the role of this variant in disease. Therefore, it has been classified as a Variant of Uncertain Significance. Algorithms developed to predict the effect of missense changes on protein structure and function (SIFT, PolyPhen-2, Align-GVGD) all suggest that this variant is likely to be tolerated, but these predictions have not been confirmed by published functional studies and their clinical significance is uncertain. This variant has not been reported in the literature in individuals with QARS-related conditions. This variant is not present in population databases (ExAC no frequency). This sequence change replaces threonine with serine at codon 43 of the QARS protein (p.Thr43Ser). The threonine residue is weakly conserved and there is a small physicochemical difference between threonine and serine.

NM_005051.3(QARS1):c.128C>G (p.Thr43Ser)

Gene: QARS1 (glutaminyl-tRNA synthetase 1; minus strand). Cytogenetic location: 3p21.31.
Variant type: single nucleotide variant.
Coding change: c.128C>G on transcript NM_005051.3 (MANE Select); coding-DNA position 128, C replaced by G.
Protein change: p.Thr43Ser; replaces threonine 43 with serine.
Molecular consequence: missense variant. On other transcripts: non-coding transcript variant (1).
Genome position (GRCh38, 1-based): chr3:49,104,461, G>C on the plus strand (C>G on the coding strand, the complement: QARS1 is on the minus strand). VCF-style: chr3-49104461-G-C. GRCh37 (hg19) VCF-style: chr3-49141894-G-C.
Other names: c.128C>G, p.Thr43Ser (NM_001272073.2); short protein forms T43S.
Identifiers: ClinVar variation 946327 (VCV000946327.7), dbSNP rs550717519, ClinGen allele CA352723232.
Genomic context (GRCh38, chr3:49,104,461, plus strand): 5'-AGTCGGGAGGCCAAGCCATATAACAGGATCCCGGTAGCTTTGTCAATGGTGGAACCCAGG[G>C]TCTGCTGAGCCTGAGGTCAGAGGGGTCAAGAGAGAAGCCCCGCGCTCAGTGAGAGGAAAG-3'
Protein context (NP_005042.1, residues 33-53): LREAATQAQQ[Thr43Ser]LGSTIDKATG